The following is an entry in ClinVar:

NM_177438.3(DICER1):c.4339C>A (p.Gln1447Lys)

Gene: DICER1 (dicer 1, ribonuclease III; minus strand). Cytogenetic location: 14q32.13.
Variant type: single nucleotide variant.
Coding change: c.4339C>A on transcript NM_177438.3 (MANE Select); coding-DNA position 4339, C replaced by A.
Protein change: p.Gln1447Lys; replaces glutamine 1447 with lysine.
Molecular consequence: missense variant. On other transcripts: non-coding transcript variant (6).
Genome position (GRCh38, 1-based): chr14:95,096,581, G>T on the plus strand (C>A on the coding strand, the complement: DICER1 is on the minus strand). VCF-style: chr14-95096581-G-T. GRCh37 (hg19) VCF-style: chr14-95562918-G-T.
Other names: c.4339C>A, p.Gln1447Lys (NM_001195573.1, NM_001271282.3, NM_001291628.2 and 13 more transcripts); c.4057C>A, p.Gln1353Lys (NM_001395686.1); c.3934C>A, p.Gln1312Lys (NM_001395687.1, NM_001395688.1, NM_001395689.1 and 2 more transcripts); c.3772C>A, p.Gln1258Lys (NM_001395691.1); c.2656C>A, p.Gln886Lys (NM_001395697.1); short protein forms Q1312K, Q1447K, Q1258K, Q1353K, Q886K.
Identifiers: ClinVar variation 2014268 (VCV002014268.5), dbSNP rs2542508752, ClinGen allele CA390869264.

ClinVar aggregate classification (germline): Uncertain significance. Review status: criteria provided, multiple submitters, no conflicts (2 of 4 stars). 2 submissions from 2 submitters: Uncertain significance (2). Last evaluated 2024-11-15.

Conditions:
DICER1-related tumor predisposition. Also called: DICER1 syndrome; DICER1-related pleuropulmonary blastoma cancer predisposition syndrome. Identifiers: Orphanet 284343, MedGen C3839822, MONDO:0100216.
Hereditary cancer-predisposing syndrome. Also called: Neoplastic Syndromes, Hereditary; Hereditary neoplastic syndrome; Tumor predisposition; Hereditary Cancer Syndrome. Identifiers: Orphanet 140162, MedGen C0027672, MeSH D009386, MONDO:0015356.

Submissions (2):

Ambry Genetics
Classification: Uncertain significance for Hereditary cancer-predisposing syndrome. Last evaluated: 2024-11-15. Review status: criteria provided, single submitter. Criteria: Ambry Variant Classification Scheme 2023. Collection method: clinical testing. Allele origin: germline.
Comment: The p.Q1447K variant (also known as c.4339C>A), located in coding exon 22 of the DICER1 gene, results from a C to A substitution at nucleotide position 4339. The glutamine at codon 1447 is replaced by lysine, an amino acid with similar properties. This amino acid position is well conserved in available vertebrate species. In addition, the in silico prediction for this alteration is inconclusive. Based on the available evidence, the clinical significance of this variant remains unclear.

Labcorp Genetics (formerly Invitae), Labcorp
Classification: Uncertain significance for DICER1-related tumor predisposition. Last evaluated: 2022-07-05. Review status: criteria provided, single submitter. Criteria: Invitae Variant Classification Sherloc (09022015). Collection method: clinical testing. Allele origin: germline.
Comment: This variant has not been reported in the literature in individuals affected with DICER1-related conditions. In summary, the available evidence is currently insufficient to determine the role of this variant in disease. Therefore, it has been classified as a Variant of Uncertain Significance. Algorithms developed to predict the effect of missense changes on protein structure and function (SIFT, PolyPhen-2, Align-GVGD) all suggest that this variant is likely to be tolerated. This variant is not present in population databases (gnomAD no frequency). This sequence change replaces glutamine, which is neutral and polar, with lysine, which is basic and polar, at codon 1447 of the DICER1 protein (p.Gln1447Lys).